The following is an entry in ClinVar:

NM_000631.5(NCF4):c.464G>A (p.Arg155Gln)

Gene: NCF4 (neutrophil cytosolic factor 4; plus strand). Cytogenetic location: 22q12.3.
Variant type: single nucleotide variant.
Coding change: c.464G>A on transcript NM_000631.5 (MANE Select); coding-DNA position 464, G replaced by A.
Protein change: p.Arg155Gln; replaces arginine 155 with glutamine.
Molecular consequence: missense variant.
Genome position (GRCh38, 1-based): chr22:36,870,536, G>A. VCF-style: chr22-36870536-G-A. GRCh37 (hg19) VCF-style: chr22-37266578-G-A.
Other names: c.464G>A (NM_013416.3); c.464G>A, p.Arg155Gln (NM_013416.4); short protein forms R155Q.
Identifiers: ClinVar variation 1476588 (VCV001476588.4), dbSNP rs1177795580, ClinGen allele CA411384082.

ClinVar aggregate classification (germline): Uncertain significance. Review status: criteria provided, multiple submitters, no conflicts (2 of 4 stars). 2 submissions from 2 submitters: Uncertain significance (2). Last evaluated 2025-08-06.

Conditions:
Granulomatous disease, chronic, autosomal recessive, cytochrome b-positive, type 3. Also called: GRANULOMATOUS DISEASE, CHRONIC, DUE TO NCF4 DEFICIENCY; Granulomatous disease, chronic, autosomal recessive, cytochrome b-positive, type III; GRANULOMATOUS DISEASE, CHRONIC, AUTOSOMAL RECESSIVE, 3; CGD, AUTOSOMAL RECESSIVE CYTOCHROME b-POSITIVE, TYPE III. Identifiers: Orphanet 379, MedGen C3151409, MONDO:0013507, OMIM 613960.

Allele frequency attached by ClinVar (database versions not stated): TOPMed below 0.00001; gnomAD exomes 0.00001.
gnomAD v4.1: 10 of 1,611,830 alleles (0.00062%); highest among the groups gnomAD compares: South Asian, 0.0033%; no homozygotes.

Submissions (2):

Ambry Genetics
Classification: Uncertain significance. Last evaluated: 2025-08-06. Review status: criteria provided, single submitter. Criteria: Ambry Variant Classification Scheme 2023. Collection method: clinical testing. Allele origin: germline.

Labcorp Genetics (formerly Invitae), Labcorp
Classification: Uncertain significance for Granulomatous disease, chronic, autosomal recessive, cytochrome b-positive, type 3. Last evaluated: 2022-07-19. Review status: criteria provided, single submitter. Criteria: Invitae Variant Classification Sherloc (09022015). Collection method: clinical testing. Allele origin: germline.
Comment: This sequence change replaces arginine, which is basic and polar, with glutamine, which is neutral and polar, at codon 155 of the NCF4 protein (p.Arg155Gln). This variant is not present in population databases (gnomAD no frequency). This variant has not been reported in the literature in individuals affected with NCF4-related conditions. ClinVar contains an entry for this variant (Variation ID: 1476588). Algorithms developed to predict the effect of missense changes on protein structure and function are either unavailable or do not agree on the potential impact of this missense change (SIFT: "Deleterious"; PolyPhen-2: "Benign"; Align-GVGD: "Class C0"). Algorithms developed to predict the effect of sequence changes on RNA splicing suggest that this variant may create or strengthen a splice site. In summary, the available evidence is currently insufficient to determine the role of this variant in disease. Therefore, it has been classified as a Variant of Uncertain Significance.